The following is an entry in ClinVar:

ClinVar aggregate classification (germline): Uncertain significance (1 of 4 stars; one submission).

Conditions:
Propionic acidemia (PROP). Also called: GLYCINEMIA, KETOTIC; HYPERGLYCINEMIA WITH KETOACIDOSIS AND LEUKOPENIA; KETOTIC HYPERGLYCINEMIA. Identifiers: Orphanet 35, MedGen C0268579, MONDO:0011628, OMIM 606054, HP:0003571.

Submission:

Labcorp Genetics (formerly Invitae), Labcorp
Classification: Uncertain significance for Propionic acidemia. Last evaluated: 2021-07-30. Review status: criteria provided, single submitter. Criteria: Invitae Variant Classification Sherloc (09022015). Collection method: clinical testing. Allele origin: germline.
Comment: This sequence change replaces arginine with leucine at codon 297 of the PCCB protein (p.Arg297Leu). The arginine residue is highly conserved and there is a moderate physicochemical difference between arginine and leucine. This variant is present in population databases (rs147379583, ExAC 0.001%). This variant has not been reported in the literature in individuals affected with PCCB-related conditions. Advanced modeling of protein sequence and biophysical properties (such as structural, functional, and spatial information, amino acid conservation, physicochemical variation, residue mobility, and thermodynamic stability) performed at Invitae indicates that this missense variant is expected to disrupt PCCB protein function. In summary, the available evidence is currently insufficient to determine the role of this variant in disease. Therefore, it has been classified as a Variant of Uncertain Significance.

NM_000532.5(PCCB):c.890G>T (p.Arg297Leu)

Gene: PCCB (propionyl-CoA carboxylase subunit beta; plus strand). Cytogenetic location: 3q22.3.
Variant type: single nucleotide variant.
Coding change: c.890G>T on transcript NM_000532.5 (MANE Select); coding-DNA position 890, G replaced by T.
Protein change: p.Arg297Leu; replaces arginine 297 with leucine.
Molecular consequence: missense variant.
Genome position (GRCh38, 1-based): chr3:136,301,035, G>T. VCF-style: chr3-136301035-G-T. GRCh37 (hg19) VCF-style: chr3-136019877-G-T.
Other names: c.950G>T, p.Arg317Leu (NM_001178014.2); short protein forms R297L, R317L.
Identifiers: ClinVar variation 1446511 (VCV001446511.3), dbSNP rs147379583, ClinGen allele CA2631928.